The following is an entry in ClinVar:

NM_001289104.2(PRKCSH):c.124G>A (p.Gly42Ser)

Gene: PRKCSH (PRKCSH beta subunit of glucosidase II; plus strand). Cytogenetic location: 19p13.2.
Variant type: single nucleotide variant.
Coding change: c.124G>A on transcript NM_001289104.2 (MANE Select); coding-DNA position 124, G replaced by A.
Protein change: p.Gly42Ser; replaces glycine 42 with serine.
Molecular consequence: missense variant.
Genome position (GRCh38, 1-based): chr19:11,436,433, G>A. VCF-style: chr19-11436433-G-A. GRCh37 (hg19) VCF-style: chr19-11547254-G-A.
Other names: c.124G>A (NM_002743.2); c.124G>A, p.Gly42Ser (NM_001001329.3, NM_001289102.2, NM_001289103.2 and 3 more transcripts); short protein forms G42S.
Identifiers: ClinVar variation 2957922 (VCV002957922.6), dbSNP rs1320122994, ClinGen allele CA404131249.

ClinVar aggregate classification (germline): Uncertain significance. Review status: criteria provided, multiple submitters, no conflicts (2 of 4 stars). 4 submissions from 4 submitters: Uncertain significance (4). Last evaluated 2024-11-13.

Conditions:
Polycystic liver disease 1 (PCLD1). Also called: Polycystic liver disease 1 with or without kidney cysts. Identifiers: Orphanet 2924, MedGen C0887850, MONDO:0008265, OMIM 174050.
Inborn genetic diseases. Identifiers: MedGen C0950123, MeSH D030342.

Allele frequency attached by ClinVar (database versions not stated): gnomAD 0.00001; TOPMed 0.00002.
gnomAD v4.1: 30 of 1,614,060 alleles (0.0019%); highest among the groups gnomAD compares: Non-Finnish European, 0.0024%; no homozygotes.

Submissions (4):

Ambry Genetics
Classification: Uncertain significance for Inborn genetic diseases. Last evaluated: 2024-11-13. Review status: criteria provided, single submitter. Criteria: Ambry Variant Classification Scheme 2023. Collection method: clinical testing. Allele origin: germline.

Fulgent Genetics
Classification: Uncertain significance for Polycystic liver disease 1. Last evaluated: 2024-06-12. Review status: criteria provided, single submitter. Criteria: ACMG Guidelines, 2015. Collection method: clinical testing. Allele origin: germline.

Labcorp Genetics (formerly Invitae), Labcorp
Classification: Uncertain significance. Last evaluated: 2024-03-04. Review status: criteria provided, single submitter. Criteria: Invitae Variant Classification Sherloc (09022015). Collection method: clinical testing. Allele origin: germline.
Comment: This sequence change replaces glycine, which is neutral and non-polar, with serine, which is neutral and polar, at codon 42 of the PRKCSH protein (p.Gly42Ser). This variant is present in population databases (no rsID available, gnomAD 0.002%). This variant has not been reported in the literature in individuals affected with PRKCSH-related conditions. An algorithm developed to predict the effect of missense changes on protein structure and function (PolyPhen-2) suggests that this variant is likely to be disruptive. In summary, the available evidence is currently insufficient to determine the role of this variant in disease. Therefore, it has been classified as a Variant of Uncertain Significance.

GeneDx
Classification: Uncertain significance. Last evaluated: 2023-12-27. Review status: criteria provided, single submitter. Criteria: GeneDx Variant Classification Process June 2021. Collection method: clinical testing. Allele origin: germline. Affected: yes.
Comment: Not observed at significant frequency in large population cohorts (gnomAD); In silico analysis supports that this missense variant has a deleterious effect on protein structure/function; Has not been previously published as pathogenic or benign to our knowledge